The following is an entry in ClinVar:

NM_080425.4(GNAS):c.192T>C (p.Asp64=)

Gene: GNAS (GNAS complex locus; plus strand). Cytogenetic location: 20q13.32.
Variant type: single nucleotide variant.
Coding change: c.192T>C on transcript NM_080425.4 (MANE Plus Clinical); coding-DNA position 192, T replaced by C.
Protein change: p.Asp64=; no amino-acid change (aspartic acid 64 retained).
Molecular consequence: synonymous variant. On other transcripts: intron variant (3), missense variant (2).
Genome position (GRCh38, 1-based): chr20:58,853,457, T>C. VCF-style: chr20-58853457-T-C. GRCh37 (hg19) VCF-style: chr20-57428512-T-C.
Other names: c.-39+11582T>C (NM_001309861.2); c.5T>C, p.Met2Thr (NM_001077490.3, NM_001309883.1); c.192T>C, p.Asp64= (NM_001410913.1); c.*42+12571T>C (NM_016592.5); c.43+12571T>C (NM_001410912.1); short protein forms M2T.
Identifiers: ClinVar variation 5001287 (VCV005001287.1).

ClinVar aggregate classification (germline): Uncertain significance (1 of 4 stars; one submission).

Conditions:
GNAS-related disorder. Identifiers: MedGen CN380105.

gnomAD v4.1: 3 of 1,611,946 alleles (0.00019%); highest among the groups gnomAD compares: African/African-American, 0.0013%; no homozygotes.

Submission:

PreventionGenetics, part of Exact Sciences
Classification: Uncertain significance for GNAS-related condition. Last evaluated: 2026-04-13. Review status: criteria provided, single submitter. Criteria: ACMG Guidelines, 2015. Collection method: clinical testing. Allele origin: germline.
Comment: The GNAS c.5T>C variant is predicted to result in the amino acid substitution p.Met2Thr. To our knowledge, this variant has not been reported in the literature. This variant is reported in 0.0068% of alleles in individuals of African descent in gnomAD. At this time, the clinical significance of this variant is uncertain due to the absence of conclusive functional and genetic evidence.